The following is an entry in ClinVar:

ClinVar aggregate classification (germline): Pathogenic/Likely pathogenic. Review status: criteria provided, multiple submitters, no conflicts (2 of 4 stars). 2 submissions from 2 submitters: Pathogenic (1); Likely pathogenic (1). Last evaluated 2017-12-07.

Conditions:
Cardiac anomalies - developmental delay - facial dysmorphism syndrome (MRFACD). Also called: Impaired intellectual development and distinctive facial features with or without cardiac defects; MED13L Syndrome. Identifiers: Orphanet 369891, MedGen C5192431, MONDO:0014773, OMIM 616789.

Submissions (2):

Institute of Human Genetics, University of Leipzig Medical Center
Classification: Likely pathogenic for Cardiac anomalies - developmental delay - facial dysmorphism syndrome. Last evaluated: 2017-12-07. Review status: criteria provided, single submitter. Criteria: ACMG Guidelines, 2015. Collection method: clinical testing. Allele origin: de novo. Affected: yes. Observed: 1 variant allele.
Comment: This variant was identified as de novo (maternity and paternity confirmed).

Laboratoire de Génétique Moléculaire, CHU Bordeaux
Classification: Pathogenic. Review status: criteria provided, single submitter. Criteria: ACMG Guidelines, 2015. Collection method: clinical testing. Allele origin: germline. Affected: yes.

NM_015335.5(MED13L):c.2996+1G>A

Gene: MED13L (mediator complex subunit 13L; minus strand). Cytogenetic location: 12q24.21.
Variant type: single nucleotide variant.
Coding change: c.2996+1G>A on transcript NM_015335.5 (MANE Select); the canonical splice donor site of the intron after coding-DNA position 2996, G replaced by A.
Molecular consequence: splice donor variant.
Genome position (GRCh38, 1-based): chr12:115,996,475, C>T on the plus strand (G>A on the coding strand, the complement: MED13L is on the minus strand). VCF-style: chr12-115996475-C-T. GRCh37 (hg19) VCF-style: chr12-116434280-C-T.
Identifiers: ClinVar variation 976193 (VCV000976193.2), dbSNP rs1878413465, ClinGen allele CA386889512.
Genomic context (GRCh38, chr12:115,996,475, plus strand): 5'-TTTAGTTAAGATAAAAATTGCATCAAATATGGCAAGTAAATGACACAATCCCTATACATA[C>T]TTGTAGCCATCTCTAATGAAAGTGGCTGCAGGGGGCATGGGCAGTTGTTCAATTTTAGGA-3'